The following is an entry in ClinVar:

ClinVar aggregate classification (germline): Conflicting classifications of pathogenicity. Review status: criteria provided, conflicting classifications (1 of 4 stars). 2 submissions from 2 submitters: Uncertain significance (1); Likely benign (1). Last evaluated 2023-08-08.

Conditions:
Cardiomyopathy (CMYO). Also called: Cardiomyopathies. Identifiers: Orphanet 167848, MedGen C0878544, MONDO:0004994, HP:0001638. Inheritance: Various modes of inheritance.
Hypertrophic cardiomyopathy. Also called: HYPERTROPHIC MYOCARDIOPATHY. Identifiers: Orphanet 217569, MedGen C0007194, MeSH D002312, MONDO:0005045, HP:0001639.

Allele frequency attached by ClinVar (database versions not stated): TOPMed below 0.00001; ExAC 0.00001; gnomAD exomes 0.00001.

Submissions (2):

All of Us Research Program, National Institutes of Health
Classification: Uncertain significance for Cardiomyopathy. Last evaluated: 2023-08-08. Review status: criteria provided, single submitter. Criteria: ACMG Guidelines, 2015. Collection method: clinical testing. Allele origin: germline. Inheritance: Autosomal dominant inheritance. Observed: 1 variant allele, 1 heterozygote.
Comment: This variant causes a C to A nucleotide substitution at the -8 position of intron 14 of the MYH7 gene. To our knowledge, functional studies have not been reported for this variant. This variant has not been reported in individuals affected with MYH7-related disorders in the literature. This variant has been identified in 2/251128 chromosomes in the general population by the Genome Aggregation Database (gnomAD). The available evidence is insufficient to determine the role of this variant in disease conclusively. Therefore, this variant is classified as a Variant of Uncertain Significance.

This study involves interpretation of variants in research participants for the purpose of population health screening. Participant phenotype was not available at the time of variant classification. Additional details can be found in publication PMID: 35346344, PMCID: PMC8962531

Labcorp Genetics (formerly Invitae), Labcorp
Classification: Likely benign for Hypertrophic cardiomyopathy. Last evaluated: 2022-06-12. Review status: criteria provided, single submitter. Criteria: Invitae Variant Classification Sherloc (09022015). Collection method: clinical testing. Allele origin: germline.

NM_000257.4(MYH7):c.1408-8C>A

Gene: MYH7 (myosin heavy chain 7; minus strand). Cytogenetic location: 14q11.2.
Variant type: single nucleotide variant.
Coding change: c.1408-8C>A on transcript NM_000257.4 (MANE Select); 8 bases into the intron before coding-DNA position 1408, C replaced by A.
Molecular consequence: intron variant.
Genome position (GRCh38, 1-based): chr14:23,428,678, G>T on the plus strand (C>A on the coding strand, the complement: MYH7 is on the minus strand). VCF-style: chr14-23428678-G-T. GRCh37 (hg19) VCF-style: chr14-23897887-G-T.
Identifiers: ClinVar variation 454341 (VCV000454341.9), dbSNP rs764196309, ClinGen allele CA028503.